The following is an entry in ClinVar:

NM_001754.5(RUNX1):c.1311C>A (p.Thr437=)

Gene: RUNX1 (RUNX family transcription factor 1; minus strand). Cytogenetic location: 21q22.12.
Variant type: single nucleotide variant.
Coding change: c.1311C>A on transcript NM_001754.5 (MANE Select); coding-DNA position 1311, C replaced by A.
Protein change: p.Thr437=; no amino-acid change (threonine 437 retained).
Molecular consequence: synonymous variant.
Genome position (GRCh38, 1-based): chr21:34,792,267, G>T on the plus strand (C>A on the coding strand, the complement: RUNX1 is on the minus strand). VCF-style: chr21-34792267-G-T. GRCh37 (hg19) VCF-style: chr21-36164564-G-T.
Other names: NM_001754.5(RUNX1):c.1311C>A; p.Thr437=; c.1230C>A, p.Thr410= (NM_001001890.3).
Identifiers: ClinVar variation 2831393 (VCV002831393.4), dbSNP rs1555884827, ClinGen allele CA512341066.

ClinVar aggregate classification (germline): Likely benign. Review status: reviewed by expert panel (3 of 4 stars). 2 submissions from 2 submitters: Likely benign (1). 1 of the submissions does not count toward it. Last evaluated 2024-09-18.

Conditions:
Hereditary thrombocytopenia and hematological cancer predisposition syndrome associated with RUNX1. Also called: Familial Platelet Disorder with Propensity to Acute Myelogenous Leukemia; Familial thrombocytopenia with propensity to acute myelogenous leukemia; PLATELET DISORDER, ASPIRIN-LIKE; RUNX1 Familial Platelet Disorder with Associated Myeloid Malignancies. Identifiers: Orphanet 71290, MedGen C1832388, MeSH C563324, MONDO:0100083, OMIM 601399.
Hereditary thrombocytopenia and hematologic cancer predisposition syndrome. Identifiers: Orphanet 71290, MedGen CN281654, MONDO:0011071.

Submissions (2):

ClinGen Myeloid Malignancy Variant Curation Expert Panel
Classification: Likely benign for Hereditary thrombocytopenia and hematologic cancer predisposition syndrome. Last evaluated: 2024-09-18. Review status: reviewed by expert panel. Criteria: ClinGen MyeloMalig ACMG Specifications v2. Collection method: curation. Allele origin: germline. Inheritance: Autosomal dominant inheritance.
Comment: NM_001754.5(RUNX1):c.1311C>A (p.Thr437=) is a synonymous variant which has a SpliceAI score ≤ 0.20 (0.0) (BP4). This variant has a SpliceAI score ≤ 0.20 (0.0) and evolutionary conservation algorithms predict the site as being not conserved (PhyloP score ≤ 2.0 (-3.62) (BP7). This variant is completely absent from all population databases with at least 20x coverage for RUNX1 (PM2_Supporting). In summary, this variant meets criteria to be classified as likely benign. ACMG/AMP criteria applied, as specified by the Myeloid Malignancy Variant Curation Expert Panel for RUNX1: BP4, BP7, PM2_supporting.

Labcorp Genetics (formerly Invitae), Labcorp
Classification: Likely benign for Hereditary thrombocytopenia and hematological cancer predisposition syndrome associated with RUNX1. Last evaluated: 2023-01-28. Review status: criteria provided, single submitter. Criteria: Invitae Variant Classification Sherloc (09022015). Collection method: clinical testing. Allele origin: germline. Not counted in ClinVar's aggregate classification.